The following is an entry in ClinVar:

ClinVar aggregate classification (germline): Uncertain significance (1 of 4 stars; one submission).

Submission:

GeneDx
Classification: Uncertain significance. Last evaluated: 2020-10-16. Review status: criteria provided, single submitter. Criteria: GeneDx Variant Classification Process June 2021. Collection method: clinical testing. Allele origin: germline. Affected: yes.
Comment: Not observed in large population cohorts (Lek et al., 2016); In silico analysis supports that this missense variant has a deleterious effect on protein structure/function; Has not been previously published as pathogenic or benign to our knowledge

NM_005618.4(DLL1):c.941G>T (p.Cys314Phe)

Gene: DLL1 (delta like canonical Notch ligand 1; minus strand). Cytogenetic location: 6q27.
Variant type: single nucleotide variant.
Coding change: c.941G>T on transcript NM_005618.4 (MANE Select); coding-DNA position 941, G replaced by T.
Protein change: p.Cys314Phe; replaces cysteine 314 with phenylalanine.
Molecular consequence: missense variant.
Genome position (GRCh38, 1-based): chr6:170,285,345, C>A on the plus strand (G>T on the coding strand, the complement: DLL1 is on the minus strand). VCF-style: chr6-170285345-C-A. GRCh37 (hg19) VCF-style: chr6-170594433-C-A.
Other names: short protein forms C314F.
Identifiers: ClinVar variation 1313317 (VCV001313317.2), dbSNP rs965185737, ClinGen allele CA152192394.